The following is an entry in ClinVar:

ClinVar aggregate classification (germline): Likely pathogenic (1 of 4 stars; one submission).

Conditions:
Hereditary spastic paraplegia 35. Also called: Spastic paraplegia 35; SPASTIC PARAPLEGIA 35, AUTOSOMAL RECESSIVE, WITH OR WITHOUT NEURODEGENERATION; LEUKODYSTROPHY, DYSMYELINATING, AND SPASTIC PARAPARESIS WITH OR WITHOUT DYSTONIA; Spastic paraplegia 35, autosomal recessive. Identifiers: Orphanet 171629, MedGen C3496228, MONDO:0012866, OMIM 612319.

gnomAD v4.1: 1 of 1,546,822 alleles (0.000065%); highest among the groups gnomAD compares: Non-Finnish European, 0.000086%; no homozygotes.

Submission:

Department of Genetics, Sultan Qaboos University Hospital
Classification: Likely pathogenic for Hereditary spastic paraplegia 35. Last evaluated: 2026-04-01. Review status: criteria provided, single submitter. Criteria: ACMG Guidelines, 2015. Collection method: clinical testing. Allele origin: germline. Affected: yes. Observed: 1 variant allele.
Comment: PM2_Supporting,PP3_Moderate,PP1_Strong

NM_024306.5(FA2H):c.207C>G (p.His69Gln)

Genes: FA2H (fatty acid 2-hydroxylase; minus strand), LOC130059394 (ATAC-STARR-seq lymphoblastoid silent region 7701; plus strand). Cytogenetic location: 16q23.1.
Variant type: single nucleotide variant.
Coding change: c.207C>G on transcript NM_024306.5 (MANE Select); coding-DNA position 207, C replaced by G.
Protein change: p.His69Gln; replaces histidine 69 with glutamine.
Molecular consequence: missense variant.
Genome position (GRCh38, 1-based): chr16:74,774,549, G>C on the plus strand (C>G on the coding strand, the complement: FA2H is on the minus strand). VCF-style: chr16-74774549-G-C. GRCh37 (hg19) VCF-style: chr16-74808447-G-C.
Other names: short protein forms H69Q.
Identifiers: ClinVar variation 623362 (VCV000623362.3), dbSNP rs997310209, ClinGen allele CA283769920.
Genomic context (GRCh38, chr16:74,774,549, plus strand): 5'-CTGCTCCCCGCGGAGCTCTCCCACGTAGTACTGCTCCAGCCAGCGGCGCGCGTTGGCCGA[G>C]TGCCTGTGCGGCGGCCCGTCCAGGTCGGCGCTGATGTCCTGGCCCGCCCTGGCCCGCAGC-3'
Protein context (NP_077282.3, residues 59-79): SADLDGPPHR[His69Gln]SANARRWLEQ